The following is an entry in ClinVar:

ClinVar aggregate classification (germline): Likely pathogenic (1 of 4 stars; one submission).

Conditions:
Dilated cardiomyopathy 1G (CMD1G). Identifiers: Orphanet 154, MedGen C1858763, MONDO:0011400, OMIM 604145.
Autosomal recessive limb-girdle muscular dystrophy type 2J (LGMDR10). Also called: Limb-girdle muscular dystrophy, type 2J; MUSCULAR DYSTROPHY, LIMB-GIRDLE, AUTOSOMAL RECESSIVE 10. Identifiers: Orphanet 140922, MedGen C1837342, MONDO:0012127, OMIM 608807.

Submission:

Labcorp Genetics (formerly Invitae), Labcorp
Classification: Likely pathogenic for Dilated cardiomyopathy 1G; Autosomal recessive limb-girdle muscular dystrophy type 2J. Last evaluated: 2025-02-26. Review status: criteria provided, single submitter. Criteria: Invitae Variant Classification Sherloc (09022015). Collection method: clinical testing. Allele origin: germline.
Comment: This sequence change creates a premature translational stop signal (p.Tyr23861*) in the TTN gene. While this is not anticipated to result in nonsense mediated decay, it is expected to create a truncated TTN protein. This variant is not present in population databases (gnomAD no frequency). This variant has not been reported in the literature in individuals affected with TTN-related conditions. This variant is located in the A band of TTN (PMID: 25589632). Truncating variants in this region are significantly overrepresented in patients affected with dilated cardiomyopathy (PMID: 25589632). Truncating variants in this region have also been reported in individuals affected with autosomal recessive centronuclear myopathy (PMID: 23975875). In summary, the currently available evidence indicates that the variant is pathogenic, but additional data are needed to prove that conclusively. Therefore, this variant has been classified as Likely Pathogenic.

Literature cited by the submitters: PubMed 25589632; PubMed 23975875.

NM_001267550.2(TTN):c.71583T>A (p.Tyr23861Ter)

Genes: TTN (titin; minus strand), TTN-AS1 (TTN antisense RNA 1; plus strand). Cytogenetic location: 2q31.2.
Variant type: single nucleotide variant.
Coding change: c.71583T>A on transcript NM_001267550.2 (MANE Select); coding-DNA position 71583, T replaced by A.
Protein change: p.Tyr23861Ter; replaces tyrosine 23861 with a stop codon.
Molecular consequence: nonsense.
Genome position (GRCh38, 1-based): chr2:178,574,549, A>T on the plus strand (T>A on the coding strand, the complement: TTN is on the minus strand). VCF-style: chr2-178574549-A-T. GRCh37 (hg19) VCF-style: chr2-179439276-A-T.
Other names: c.66660T>A, p.Tyr22220Ter (NM_001256850.1); c.44388T>A, p.Tyr14796Ter (NM_003319.4); c.63879T>A, p.Tyr21293Ter (NM_133378.4); c.44763T>A, p.Tyr14921Ter (NM_133432.3); c.44964T>A, p.Tyr14988Ter (NM_133437.4); short protein forms Y14796*, Y14921*, Y14988*, Y21293*, Y22220*, Y23861*.
Identifiers: ClinVar variation 3759196 (VCV003759196.2).